The following is an entry in ClinVar:

NM_001298.3(CNGA3):c.1519del (p.Asp507fs)

Gene: CNGA3 (cyclic nucleotide gated channel subunit alpha 3; plus strand). Cytogenetic location: 2q11.2.
Variant type: Deletion.
Coding change: c.1519del on transcript NM_001298.3 (MANE Select); coding-DNA position 1519, one base deleted (G; older notation c.1519delG).
Protein change: p.Asp507fs; shifts the reading frame from aspartic acid 507.
Molecular consequence: frameshift variant.
Genome position (GRCh38, 1-based): chr2:98,396,689, G deleted; the last of 4 consecutive G bases (chr2:98,396,686-98,396,689); deleting any one gives the same sequence. VCF-style (leftmost placement, unchanged base first): chr2-98396685-TG-T. GRCh37 (hg19) VCF-style: chr2-99013148-TG-T.
Other names: c.1465del, p.Asp489fs (NM_001079878.2); short protein forms D489fs, D507fs.
Identifiers: ClinVar variation 1064470 (VCV001064470.8), dbSNP rs745592705, ClinGen allele CA1794023.

ClinVar aggregate classification (germline): Pathogenic. Review status: criteria provided, multiple submitters, no conflicts (2 of 4 stars). 3 submissions from 3 submitters: Pathogenic (2). 1 of the submissions does not count toward it. Last evaluated 2022-08-09.

Conditions:
Achromatopsia 2 (ACHM2). Also called: COLORBLINDNESS, TOTAL; ROD MONOCHROMACY 2; ROD MONOCHROMATISM 2. Identifiers: Orphanet 49382, MedGen C1857618, MONDO:0009003, OMIM 216900.

Submissions (3):

Labcorp Genetics (formerly Invitae), Labcorp
Classification: Pathogenic. Last evaluated: 2022-08-09. Review status: criteria provided, single submitter. Criteria: Invitae Variant Classification Sherloc (09022015). Collection method: clinical testing. Allele origin: germline.
Comment: For these reasons, this variant has been classified as Pathogenic. This variant disrupts a region of the CNGA3 protein in which other variant(s) (p.Arg661Ser) have been determined to be pathogenic (PMID: 24676353, 30711023; Invitae). This suggests that this is a clinically significant region of the protein, and that variants that disrupt it are likely to be disease-causing. ClinVar contains an entry for this variant (Variation ID: 1064470). This variant has not been reported in the literature in individuals affected with CNGA3-related conditions. This variant is present in population databases (rs745592705, gnomAD 0.0009%). This sequence change creates a premature translational stop signal (p.Asp507Ilefs*47) in the CNGA3 gene. While this is not anticipated to result in nonsense mediated decay, it is expected to disrupt the last 188 amino acid(s) of the CNGA3 protein.

DBGen Ocular Genomics
Classification: Pathogenic for Achromatopsia 2. Last evaluated: 2021-06-04. Review status: criteria provided, single submitter. Criteria: ACMG Guidelines, 2015. Collection method: clinical testing. Allele origin: germline. Affected: yes. Observed: 1 variant allele.

Molecular Genetics Laboratory, Institute for Ophthalmic Research
Classification: Likely pathogenic for Achromatopsia 2. Last evaluated: 2021-04-15. Review status: no assertion criteria provided. Collection method: research. Allele origin: germline. Affected: yes. Not counted in ClinVar's aggregate classification.

Literature cited by the submitters: PubMed 24676353 (cited by Labcorp Genetics (formerly Invitae), Labcorp); PubMed 30711023 (cited by Labcorp Genetics (formerly Invitae), Labcorp).